The following continues an entry in ClinVar:

NM_030777.4(SLC2A10):c.1334del (p.Gly445fs)

Gene: SLC2A10. ClinVar aggregate classification (germline): Pathogenic. Pathogenic (12).

Submissions 9 to 15 of 15:

Women's Health and Genetics/Laboratory Corporation of America, LabCorp
Classification: Pathogenic for Arterial tortuosity syndrome. Last evaluated: 2023-11-16. Review status: criteria provided, single submitter. Criteria: LabCorp Variant Classification Summary - May 2015. Collection method: clinical testing. Allele origin: germline.
Comment: Variant summary: SLC2A10 c.1334delG (p.Gly445GlufsX40) results in a premature termination codon, predicted to cause a truncation of the encoded protein or absence of the protein due to nonsense mediated decay, which are commonly known mechanisms for disease. The variant allele was found at a frequency of 8.4e-05 in 251486 control chromosomes. This frequency is not significantly higher than estimated for a pathogenic variant in SLC2A10 causing Arterial Tortuosity Syndrome (8.4e-05 vs 0.0016), allowing no conclusion about variant significance. c.1334delG has been reported in the literature in multiple homozygous individuals affected with Arterial Tortuosity Syndrome (e.g. Coucke_2006, Piccinelli_2021). These data indicate that the variant is very likely to be associated with disease. At least one publication reports experimental evidence evaluating an impact on protein function (e.g. Coucke_2006). The most pronounced variant effect results in severely reduced mRNA and protein expression in homozygous patient cells compared to unaffected controls. The following publications have been ascertained in the context of this evaluation (PMID: 16550171, 34847858). Six submitters have cited clinical-significance assessments for this variant to ClinVar after 2014. All submitters classified the variant as pathogenic. Based on the evidence outlined above, the variant was classified as pathogenic.

GeneDx
Classification: Pathogenic. Last evaluated: 2022-02-03. Review status: criteria provided, single submitter. Criteria: GeneDx Variant Classification Process June 2021. Collection method: clinical testing. Allele origin: germline. Affected: yes.
Comment: Frameshift variant predicted to result in protein truncation or nonsense mediated decay in a gene for which loss-of-function is a known mechanism of disease; Published functional studies demonstrate a damaging effect in SLC2A10-encoded protein levels in individuals homozygous for the variant that showed nearly absent expression, while heterozygous carriers in the family expressed about half the amount of protein compared to wild-type and deficiencies in protein transport (Coucke et al., 2006; Nemeth et al., 2016); Reported in ClinVar as a pathogenic variant (ClinVar Variant ID# 4587; ClinVar); This variant is associated with the following publications: (PMID: 27153185, 16550171, 17935213, 17163528, 19781076, 31589614, 28726533, 31786173)

ARUP Laboratories, Molecular Genetics and Genomics, ARUP Laboratories
Classification: Pathogenic for Arterial tortuosity syndrome. Last evaluated: 2021-09-01. Review status: criteria provided, single submitter. Criteria: ARUP Molecular Germline Variant Investigation Process 2021. Collection method: clinical testing. Allele origin: germline.
Comment: The SLC2A10 c.1334delG; p.Gly445GlufsTer40 variant (rs587776600) is reported in the literature in the homozygous or compound heterozygous state in multiple individuals affected with arterial tortuosity syndrome, and segregates with disease in at least one family (Callewaert 2008, Coucke 2006, Hardin 2018, Ritelli 2009). This variant is reported in ClinVar (Variation ID: 4587), and is found in the non-Finnish European population with an allele frequency of 0.015% (20/129188 alleles) in the Genome Aggregation Database. This variant causes a frameshift by deleting a single nucleotide, so it is predicted to result in a truncated protein or mRNA subject to nonsense-mediated decay. Functional analyses of patient cells demonstrate a lack of protein in homozygous patients and about half of wild type expression in heterozygotes (Coucke 2006). Based on available information, this variant is considered to be pathogenic. References: Callewaert BL et al. Arterial tortuosity syndrome: clinical and molecular findings in 12 newly identified families. Hum Mutat. 2008 Jan;29(1):150-8. Coucke PJ et al. Mutations in the facilitative glucose transporter GLUT10 alter angiogenesis and cause arterial tortuosity syndrome. Nat Genet. 2006 Apr;38(4):452-7. Hardin JS et al. Ophthalmic findings in patients with arterial tortuosity syndrome and carriers: A case series. Ophthalmic Genet. 2018 Jan-Feb;39(1):29-34. Ritelli M et al. Arterial tortuosity syndrome in two Italian paediatric patients. Orphanet J Rare Dis. 2009 Sep 25;4:20.

Revvity Omics, Revvity
Classification: Pathogenic for Arterial tortuosity syndrome. Last evaluated: 2020-05-08. Review status: criteria provided, single submitter. Criteria: ACMG Guidelines, 2015. Collection method: clinical testing. Allele origin: germline.

Clinical Molecular Genetics Laboratory, Johns Hopkins All Children's Hospital
Classification: Pathogenic for Arterial tortuosity syndrome. Last evaluated: 2017-05-24. Review status: no assertion criteria provided. Collection method: clinical testing. Allele origin: germline. Affected: yes. Not counted in ClinVar's aggregate classification.

OMIM
Classification: Pathogenic for ARTERIAL TORTUOSITY SYNDROME. Last evaluated: 2008-01-01. Review status: no assertion criteria provided. Collection method: literature only. Allele origin: germline. Not counted in ClinVar's aggregate classification.

GeneReviews
No classification provided. Condition: Arterial tortuosity syndrome. Review status: no classification provided. Collection method: literature only. Allele origin: germline. Affected: yes. Not counted in ClinVar's aggregate classification.

Literature cited by the submitters: PubMed 17935213 (cited by 6 submitters); PubMed 22488877 (cited by Labcorp Genetics (formerly Invitae), Labcorp and Variantyx, Inc.); PubMed 23494979 (cited by Labcorp Genetics (formerly Invitae), Labcorp); PubMed 16550171 (cited by 7 submitters); PubMed 19781076 (cited by 4 submitters); PubMed 28726533 (cited by Labcorp Genetics (formerly Invitae), Labcorp and Laboratory for Molecular Medicine, Mass General Brigham Personalized Medicine); PubMed 29323665 (cited by Shaine Morris Lab, Baylor College of Medicine); DOI 10.1186/s42269-022-00938-2 (cited by Shaine Morris Lab, Baylor College of Medicine); PubMed 34847858 (cited by Women's Health and Genetics/Laboratory Corporation of America, LabCorp); PubMed 14569121 (cited by OMIM); NCBI Bookshelf NBK253404 (cited by GeneReviews).